The following is an entry in ClinVar:

NM_000051.4(ATM):c.6648_6652dup (p.Ser2218fs)

Genes: ATM (ATM serine/threonine kinase; plus strand), C11orf65 (chromosome 11 open reading frame 65; minus strand). Cytogenetic location: 11q22.3.
Variant type: Duplication.
Coding change: c.6648_6652dup on transcript NM_000051.4 (MANE Select); coding-DNA positions 6648 to 6652, 5 bases duplicated (TTTTA; older notation c.6648_6652dupTTTTA).
Protein change: p.Ser2218fs; shifts the reading frame from serine 2218.
Molecular consequence: frameshift variant. On other transcripts: intron variant (2).
Genome position (GRCh38, 1-based): chr11:108,325,385-108,325,389, TTTTA duplicated; duplicating any 5 consecutive bases within chr11:108,325,384-108,325,389 gives the same sequence; the c. name uses the placement nearest the transcript's 3' end. VCF-style (leftmost placement, unchanged base first): chr11-108325383-G-GATTTT. GRCh37 (hg19) VCF-style: chr11-108196110-G-GATTTT.
Other names: c.6648_6652dup, p.Ser2218fs (NM_001351834.2); c.641-16317_641-16313dup (NM_001330368.2); c.*38+9832_*38+9836dup (NM_001351110.2); c.6648_6652dupTTTTA (NM_000051.3); short protein forms S2218fs.
Identifiers: ClinVar variation 1754664 (VCV001754664.2), dbSNP rs2547201545, ClinGen allele CA2580083042.
Genomic context (GRCh38, chr11:108,325,383, plus strand): 5'-AGACAACTCTCTGAAGTATATATTAAGTGGCAGAAACACTCCCAGCTTCTCAAGGACAGT[G>GATTTT]ATTTTAGTTTTCAGGAGCCTATCATGGCTCTACGCACAGTCATTTTGGAGATCCTGATGG-3'

ClinVar aggregate classification (germline): Uncertain significance (1 of 4 stars; one submission).

Conditions:
Hereditary cancer-predisposing syndrome. Also called: Hereditary neoplastic syndrome; Neoplastic Syndromes, Hereditary; Tumor predisposition; Hereditary Cancer Syndrome. Identifiers: Orphanet 140162, MedGen C0027672, MeSH D009386, MONDO:0015356.

Submission:

Ambry Genetics
Classification: Uncertain significance for Hereditary cancer-predisposing syndrome. Last evaluated: 2021-11-19. Review status: criteria provided, single submitter. Criteria: Ambry Variant Classification Scheme 2023. Collection method: clinical testing. Allele origin: germline.
Comment: The c.6648_6652dupTTTTA variant, located in coding exon 45 of the ATM gene, results from a duplication of TTTTA at nucleotide position 6648, causing a translational frameshift with a predicted alternate stop codon (p.S2218Ifs*19). This alteration may result in loss of function by nonsense-mediated mRNA decay. However, in silico splice site analysis predicts that this alteration will weaken the native splice acceptor site and may result in the creation or strengthening of a novel splice acceptor site. The resulting transcript is predicted to be in-frame and is not expected to trigger nonsense-mediated mRNA decay; however, direct evidence is insufficient (Ambry internal data). The exact functional effect of the altered amino acid sequence is unknown. Since supporting evidence is conflicting at this time, the clinical significance of this alteration remains unclear.